The following is an entry in ClinVar:

ClinVar aggregate classification (germline): Uncertain significance (1 of 4 stars; one submission).

Allele frequency attached by ClinVar (database versions not stated): gnomAD exomes below 0.00001; TOPMed below 0.00001; gnomAD 0.00001.
gnomAD v4.1: 2 of 1,613,248 alleles (0.00012%); highest among the groups gnomAD compares: African/African-American, 0.0027%; no homozygotes.

Submission:

Labcorp Genetics (formerly Invitae), Labcorp
Classification: Uncertain significance. Last evaluated: 2022-02-08. Review status: criteria provided, single submitter. Criteria: Invitae Variant Classification Sherloc (09022015). Collection method: clinical testing. Allele origin: germline.
Comment: This variant has not been reported in the literature in individuals affected with PCLO-related conditions. This variant is present in population databases (no rsID available, gnomAD 0.01%). This sequence change replaces glycine, which is neutral and non-polar, with aspartic acid, which is acidic and polar, at codon 4244 of the PCLO protein (p.Gly4244Asp). Algorithms developed to predict the effect of missense changes on protein structure and function are either unavailable or do not agree on the potential impact of this missense change (SIFT: "Deleterious"; PolyPhen-2: "Not Available"; Align-GVGD: "Class C0"). In summary, the available evidence is currently insufficient to determine the role of this variant in disease. Therefore, it has been classified as a Variant of Uncertain Significance.

NM_033026.6(PCLO):c.12731G>A (p.Gly4244Asp)

Gene: PCLO (piccolo presynaptic cytomatrix protein; minus strand). Cytogenetic location: 7q21.11.
Variant type: single nucleotide variant.
Coding change: c.12731G>A on transcript NM_033026.6 (MANE Select); coding-DNA position 12731, G replaced by A.
Protein change: p.Gly4244Asp; replaces glycine 4244 with aspartic acid.
Molecular consequence: missense variant.
Genome position (GRCh38, 1-based): chr7:82,915,255, C>T on the plus strand (G>A on the coding strand, the complement: PCLO is on the minus strand). VCF-style: chr7-82915255-C-T. GRCh37 (hg19) VCF-style: chr7-82544571-C-T.
Other names: c.12731G>A, p.Gly4244Asp (NM_014510.3); short protein forms G4244D.
Identifiers: ClinVar variation 1416503 (VCV001416503.8), dbSNP rs1159117954, ClinGen allele CA367886419.
Genomic context (GRCh38, chr7:82,915,255, plus strand): 5'-AGTCCTGTGCCAAGAGAAGATCCCATAAATTTTTGTTGGTCTGTAATATTTTTTCTGAGG[C>T]CAAAAGTGATGTCATCTTGAAGGAGCCTTGCCCTGGAGGAAATGCCACCAATAGATGAAG-3'
Protein context (NP_149015.2, residues 4234-4254): ARLLQDDITF[Gly4244Asp]LRKNITDQQK